The following is an entry in ClinVar:

NM_003072.5(SMARCA4):c.4808A>C (p.Glu1603Ala)

Gene: SMARCA4 (SWI/SNF related BAF chromatin remodeling complex subunit ATPase 4; plus strand). Cytogenetic location: 19p13.2.
Variant type: single nucleotide variant.
Coding change: c.4808A>C on transcript NM_003072.5 (MANE Select); coding-DNA position 4808, A replaced by C.
Protein change: p.Glu1603Ala; replaces glutamic acid 1603 with alanine.
Molecular consequence: missense variant. On other transcripts: non-coding transcript variant (1).
Genome position (GRCh38, 1-based): chr19:11,060,084, A>C. VCF-style: chr19-11060084-A-C. GRCh37 (hg19) VCF-style: chr19-11170760-A-C.
Other names: c.4808A>C, p.Glu1603Ala (NM_001128844.3); c.4718A>C, p.Glu1573Ala (NM_001128845.2); c.4715A>C, p.Glu1572Ala (NM_001128846.2); c.4709A>C, p.Glu1570Ala (NM_001128847.4, NM_001374457.1); c.4706A>C, p.Glu1569Ala (NM_001128848.2); c.4904A>C, p.Glu1635Ala (NM_001128849.3, NM_001387283.1); c.4805A>C, p.Glu1602Ala (NM_001411150.1); short protein forms E1569A, E1572A, E1603A, E1602A, E1573A, E1635A, E1570A.
Identifiers: ClinVar variation 2567130 (VCV002567130.2), dbSNP rs2076775371, ClinGen allele CA404080442.
Genomic context (GRCh38, chr19:11,060,084, plus strand): 5'-TTCCCTCCCGGTCCCCTCCAGCTCGGTCCGTCAAAGTGAAGATCAAGCTTGGCCGGAAGG[A>C]GAAGGCACAGGACCGGCTGAAGGGCGGCCGGCGGCGGCCGAGCCGAGGGTCCCGAGCCAA-3'
Protein context (NP_003063.2, residues 1593-1613): VKVKIKLGRK[Glu1603Ala]KAQDRLKGGR

ClinVar aggregate classification (germline): Uncertain significance (1 of 4 stars; one submission).

Conditions:
Hereditary cancer-predisposing syndrome. Also called: Hereditary neoplastic syndrome; Hereditary Cancer Syndrome; Neoplastic Syndromes, Hereditary; Tumor predisposition. Identifiers: Orphanet 140162, MedGen C0027672, MeSH D009386, MONDO:0015356.

Submission:

Ambry Genetics
Classification: Uncertain significance for Hereditary cancer-predisposing syndrome. Last evaluated: 2023-03-30. Review status: criteria provided, single submitter. Criteria: Ambry Variant Classification Scheme 2023. Collection method: clinical testing. Allele origin: germline.
Comment: The p.E1635A variant (also known as c.4904A>C), located in coding exon 34 of the SMARCA4 gene, results from an A to C substitution at nucleotide position 4904. The glutamic acid at codon 1635 is replaced by alanine, an amino acid with dissimilar properties. This amino acid position is well conserved in available vertebrate species. In addition, the in silico prediction for this alteration is inconclusive. Missense and in-frame variants in SMARCA4 are known to cause neurodevelopmental disorders; however, such associations with rhabdoid tumor predisposition syndrome including small cell carcinoma of the ovary-hypercalcemic type (SCCOHT) are exceedingly rare (Kosho T et al. Am J Med Genet C Semin Med Genet. 2014 Sep;166C(3):262-75; Jelinic P et al. Nat Genet. 2014 May;46(5):424-6). Based on the supporting evidence, the association of this alteration with Coffin-Siris syndrome is unknown; however, the association of this alteration with rhabdoid tumor predisposition syndrome is unlikely.